The following is an entry in ClinVar:

ClinVar aggregate classification (germline): Uncertain significance. Review status: criteria provided, multiple submitters, no conflicts (2 of 4 stars). 2 submissions from 2 submitters: Uncertain significance (2). Last evaluated 2022-03-23.

Conditions:
Autosomal recessive inherited pseudoxanthoma elasticum (PXE). Identifiers: Orphanet 758, MedGen CN032334, MONDO:0009925, OMIM 264800.
Pseudoxanthoma elasticum, forme fruste. Also called: PSEUDOXANTHOMA ELASTICUM, HETEROZYGOUS; Pseudoxanthoma Elasticum, Incomplete. Identifiers: Orphanet 758, MedGen C1867450, MONDO:0008333, OMIM 177850.
Arterial calcification, generalized, of infancy, 2. Identifiers: Orphanet 51608, MedGen C3276161, MONDO:0013768, OMIM 614473.

Allele frequency attached by ClinVar (database versions not stated): gnomAD 0.00001; TOPMed 0.00002; gnomAD exomes 0.00002; 1000 Genomes Project 0.00020; ExAC 0.00005; ESP Exome Variant Server 0.00008; 1000 Genomes Project 30x 0.00016.
gnomAD v4.1: 109 of 1,614,124 alleles (0.0068%); highest among the groups gnomAD compares: Non-Finnish European, 0.0089%; no homozygotes.

Submissions (2):

Fulgent Genetics
Classification: Uncertain significance for Pseudoxanthoma elasticum, forme fruste; Autosomal recessive inherited pseudoxanthoma elasticum; Arterial calcification, generalized, of infancy, 2. Last evaluated: 2022-03-23. Review status: criteria provided, single submitter. Criteria: ACMG Guidelines, 2015. Collection method: clinical testing. Allele origin: unknown.

Labcorp Genetics (formerly Invitae), Labcorp
Classification: Uncertain significance. Last evaluated: 2022-03-11. Review status: criteria provided, single submitter. Criteria: Invitae Variant Classification Sherloc (09022015). Collection method: clinical testing. Allele origin: germline.
Comment: In summary, the available evidence is currently insufficient to determine the role of this variant in disease. Therefore, it has been classified as a Variant of Uncertain Significance. Algorithms developed to predict the effect of missense changes on protein structure and function are either unavailable or do not agree on the potential impact of this missense change (SIFT: "Tolerated"; PolyPhen-2: "Probably Damaging"; Align-GVGD: "Class C0"). This variant has not been reported in the literature in individuals affected with ABCC6-related conditions. This variant is present in population databases (rs143092672, gnomAD 0.006%). This sequence change replaces alanine, which is neutral and non-polar, with threonine, which is neutral and polar, at codon 567 of the ABCC6 protein (p.Ala567Thr).

NM_001171.6(ABCC6):c.1699G>A (p.Ala567Thr)

Gene: ABCC6 (ATP binding cassette subfamily C member 6; minus strand). Cytogenetic location: 16p13.11.
Variant type: single nucleotide variant.
Coding change: c.1699G>A on transcript NM_001171.6 (MANE Select); coding-DNA position 1699, G replaced by A.
Protein change: p.Ala567Thr; replaces alanine 567 with threonine.
Molecular consequence: missense variant. On other transcripts: non-coding transcript variant (1).
Genome position (GRCh38, 1-based): chr16:16,188,911, C>T on the plus strand (G>A on the coding strand, the complement: ABCC6 is on the minus strand). VCF-style: chr16-16188911-C-T. GRCh37 (hg19) VCF-style: chr16-16282768-C-T.
Other names: c.1357G>A, p.Ala453Thr (NM_001351800.1); short protein forms A453T, A567T.
Identifiers: ClinVar variation 1363383 (VCV001363383.7), dbSNP rs143092672, ClinGen allele CA7926200.